The following is an entry in ClinVar:

NM_001367624.2(ZNF469):c.2854A>C (p.Lys952Gln)

Gene: ZNF469 (zinc finger protein 469; plus strand). Cytogenetic location: 16q24.2.
Variant type: single nucleotide variant.
Coding change: c.2854A>C on transcript NM_001367624.2 (MANE Select); coding-DNA position 2854, A replaced by C.
Protein change: p.Lys952Gln; replaces lysine 952 with glutamine.
Molecular consequence: missense variant.
Genome position (GRCh38, 1-based): chr16:88,430,324, A>C. VCF-style: chr16-88430324-A-C. GRCh37 (hg19) VCF-style: chr16-88496732-A-C.
Other names: NM_001127464.1:c.2854A>C; short protein forms K952Q.
Identifiers: ClinVar variation 1719072 (VCV001719072.6), dbSNP rs2507580529, ClinGen allele CA397075820.
Genomic context (GRCh38, chr16:88,430,324, plus strand): 5'-GCCCCCACCGAGGCGGATGCGCCCAGCCAGGGCAGGCAGCAGAGGAGGGGGAAGCAGTTG[A>C]AGCTGTTCCGGAAGGATCTGGACTCGGGCGGCGCAGCAGAGGGGTCGGGGTCGGGCGGCG-3'
Protein context (NP_001354553.1, residues 942-962): GRQQRRGKQL[Lys952Gln]LFRKDLDSGG

ClinVar aggregate classification (germline): Uncertain significance. Review status: criteria provided, multiple submitters, no conflicts (2 of 4 stars). 2 submissions from 2 submitters: Uncertain significance (2). Last evaluated 2022-09-09.

Conditions:
Cardiovascular phenotype. Identifiers: MedGen CN230736.

Allele frequency attached by ClinVar (database versions not stated): gnomAD exomes below 0.00001.
gnomAD v4.1: 1 of 1,515,368 alleles (0.000066%); highest among the groups gnomAD compares: Non-Finnish European, 0.000088%; no homozygotes.

Submissions (2):

Labcorp Genetics (formerly Invitae), Labcorp
Classification: Uncertain significance. Last evaluated: 2022-09-09. Review status: criteria provided, single submitter. Criteria: Invitae Variant Classification Sherloc (09022015). Collection method: clinical testing. Allele origin: germline.
Comment: In summary, the available evidence is currently insufficient to determine the role of this variant in disease. Therefore, it has been classified as a Variant of Uncertain Significance. Algorithms developed to predict the effect of missense changes on protein structure and function output the following: SIFT: "Tolerated"; PolyPhen-2: "Probably Damaging"; Align-GVGD: "Class C0". The glutamine amino acid residue is found in multiple mammalian species, which suggests that this missense change does not adversely affect protein function. This variant has not been reported in the literature in individuals affected with ZNF469-related conditions. This variant is not present in population databases (gnomAD no frequency). This sequence change replaces lysine, which is basic and polar, with glutamine, which is neutral and polar, at codon 952 of the ZNF469 protein (p.Lys952Gln).

Ambry Genetics
Classification: Uncertain significance for Cardiovascular phenotype. Last evaluated: 2022-04-19. Review status: criteria provided, single submitter. Criteria: Ambry Variant Classification Scheme 2023. Collection method: clinical testing. Allele origin: germline.
Comment: The p.K952Q variant (also known as c.2854A>C), located in coding exon 1 of the ZNF469 gene, results from an A to C substitution at nucleotide position 2854. The lysine at codon 952 is replaced by glutamine, an amino acid with similar properties. This amino acid position is conserved. In addition, this alteration is predicted to be tolerated by in silico analysis. Since supporting evidence is limited at this time, the clinical significance of this alteration remains unclear.